The following is an entry in ClinVar:

ClinVar aggregate classification (germline): Uncertain significance (1 of 4 stars; one submission).

Conditions:
Congenital myasthenic syndrome 9. Also called: Myasthenic syndrome, congenital, 9, associated with acetylcholine receptor deficiency. Identifiers: Orphanet 590, MedGen C4225368, MONDO:0014587, OMIM 616325.
Fetal akinesia deformation sequence 1 (FADS1). Also called: Fetal akinesia sequence; Pena-Shokeir syndrome type I. Identifiers: Orphanet 994, MedGen C1276035, MONDO:0100101, OMIM 208150, HP:0001989.

Allele frequency attached by ClinVar (database versions not stated): gnomAD exomes 0.00001.
gnomAD v4.1: 10 of 1,561,074 alleles (0.00064%); highest among the groups gnomAD compares: Non-Finnish European, 0.0007%; no homozygotes.

Submission:

Labcorp Genetics (formerly Invitae), Labcorp
Classification: Uncertain significance for Congenital myasthenic syndrome 9; Fetal akinesia deformation sequence 1. Last evaluated: 2021-09-02. Review status: criteria provided, single submitter. Criteria: Invitae Variant Classification Sherloc (09022015). Collection method: clinical testing. Allele origin: germline.
Comment: This sequence change replaces threonine with alanine at codon 144 of the MUSK protein (p.Thr144Ala). The threonine residue is highly conserved and there is a small physicochemical difference between threonine and alanine. This variant is not present in population databases (ExAC no frequency). This variant has not been reported in the literature in individuals affected with MUSK-related conditions. Advanced modeling of protein sequence and biophysical properties (such as structural, functional, and spatial information, amino acid conservation, physicochemical variation, residue mobility, and thermodynamic stability) performed at Invitae indicates that this missense variant is not expected to disrupt MUSK protein function. In summary, the available evidence is currently insufficient to determine the role of this variant in disease. Therefore, it has been classified as a Variant of Uncertain Significance.

NM_005592.4(MUSK):c.430A>G (p.Thr144Ala)

Gene: MUSK (muscle associated receptor tyrosine kinase; plus strand). Cytogenetic location: 9q31.3.
Variant type: single nucleotide variant.
Coding change: c.430A>G on transcript NM_005592.4 (MANE Select); coding-DNA position 430, A replaced by G.
Protein change: p.Thr144Ala; replaces threonine 144 with alanine.
Molecular consequence: missense variant.
Genome position (GRCh38, 1-based): chr9:110,695,474, A>G. VCF-style: chr9-110695474-A-G. GRCh37 (hg19) VCF-style: chr9-113457754-A-G.
Other names: c.430A>G, p.Thr144Ala (NM_001166280.2, NM_001166281.2); short protein forms T144A.
Identifiers: ClinVar variation 1392671 (VCV001392671.5), dbSNP rs1210600769, ClinGen allele CA374665017.